The following is an entry in ClinVar:

ClinVar aggregate classification (germline): Conflicting classifications of pathogenicity. Review status: criteria provided, conflicting classifications (1 of 4 stars). 4 submissions from 4 submitters: Uncertain significance (2); Benign (1). 1 of the submissions does not count toward it. Last evaluated 2022-02-05.

Conditions:
Inborn genetic diseases. Identifiers: MedGen C0950123, MeSH D030342.
MED23-related disorder. Also called: MED23-related condition.
Intellectual developmental disorder, autosomal recessive 18, with or without epilepsy. Also called: Intellectual disability, autosomal recessive 18. Identifiers: Orphanet 88616, MedGen C3280265, MONDO:0013651, OMIM 614249.

Allele frequency attached by ClinVar (database versions not stated): ESP Exome Variant Server 0.00292; 1000 Genomes Project 0.00319; gnomAD 0.00372 and 0.00342; gnomAD exomes 0.00089 and 0.00035; 1000 Genomes Project 30x 0.00359; ExAC 0.00111; TOPMed 0.00400.

Submissions (14):

GeneDx
Classification: Benign. Last evaluated: 2022-02-05. Review status: criteria provided, single submitter. Criteria: GeneDx Variant Classification Process June 2021. Collection method: clinical testing. Allele origin: germline. Affected: yes.

Ambry Genetics
Classification: Uncertain significance for Inborn genetic diseases. Last evaluated: 2020-03-18. Review status: criteria provided, single submitter. Criteria: Ambry Variant Classification Scheme 2023. Collection method: clinical testing. Allele origin: germline.
Comment: The c.4095+3G>T intronic variant results from a G to T substitution 3 nucleotides after coding exon 30 in the MED23 gene. This nucleotide position is well conserved in available vertebrate species. Using the BDGP and ESEfinder splice site prediction tools, this alteration is predicted to weaken the efficiency of the native splice donor site; however, direct evidence is unavailable. Since supporting evidence is limited at this time, the clinical significance of this alteration remains unclear.

Fulgent Genetics
Classification: Uncertain significance for Intellectual developmental disorder, autosomal recessive 18, with or without epilepsy. Last evaluated: 2018-10-31. Review status: criteria provided, single submitter. Criteria: ACMG Guidelines, 2015. Collection method: clinical testing. Allele origin: unknown.

PreventionGenetics, part of Exact Sciences
Classification: Likely benign for MED23-related condition. Last evaluated: 2019-03-19. Review status: no assertion criteria provided. Collection method: clinical testing. Allele origin: germline. Not counted in ClinVar's aggregate classification.
Comment: This variant is classified as likely benign based on ACMG/AMP sequence variant interpretation guidelines (Richards et al. 2015 PMID: 25741868, with internal and published modifications).

Dr. Peter K. Rogan Lab, Western University
No classification provided (evidence only). Condition: Clear cell carcinoma of kidney. Review status: no classification provided. Collection method: in vitro. Allele origin: not applicable. Functional consequence: retained intron. Not counted in ClinVar's aggregate classification.

Dr. Peter K. Rogan Lab, Western University
No classification provided (evidence only). Condition: Clear cell carcinoma of kidney. Review status: no classification provided. Collection method: in vitro. Allele origin: not applicable. Functional consequence: retained intron. Not counted in ClinVar's aggregate classification.

Dr. Peter K. Rogan Lab, Western University
No classification provided (evidence only). Condition: Colon adenocarcinoma. Review status: no classification provided. Collection method: in vitro. Allele origin: not applicable. Functional consequence: retained intron. Not counted in ClinVar's aggregate classification.

Dr. Peter K. Rogan Lab, Western University
No classification provided (evidence only). Condition: Uterine corpus endometrial carcinoma. Review status: no classification provided. Collection method: in vitro. Allele origin: not applicable. Functional consequence: retained intron. Not counted in ClinVar's aggregate classification.

Dr. Peter K. Rogan Lab, Western University
No classification provided (evidence only). Condition: Uterine corpus endometrial carcinoma. Review status: no classification provided. Collection method: in vitro. Allele origin: not applicable. Functional consequence: retained intron. Not counted in ClinVar's aggregate classification.

Dr. Peter K. Rogan Lab, Western University
No classification provided (evidence only). Condition: Sarcoma. Review status: no classification provided. Collection method: in vitro. Allele origin: not applicable. Functional consequence: retained intron. Not counted in ClinVar's aggregate classification.

Dr. Peter K. Rogan Lab, Western University
No classification provided (evidence only). Condition: Hepatocellular carcinoma. Review status: no classification provided. Collection method: in vitro. Allele origin: not applicable. Functional consequence: retained intron. Not counted in ClinVar's aggregate classification.

Dr. Peter K. Rogan Lab, Western University
No classification provided (evidence only). Condition: Hepatocellular carcinoma. Review status: no classification provided. Collection method: in vitro. Allele origin: not applicable. Functional consequence: retained intron. Not counted in ClinVar's aggregate classification.

Dr. Peter K. Rogan Lab, Western University
No classification provided (evidence only). Condition: Thymoma. Review status: no classification provided. Collection method: in vitro. Allele origin: not applicable. Functional consequence: retained intron. Not counted in ClinVar's aggregate classification.

Dr. Peter K. Rogan Lab, Western University
No classification provided (evidence only). Condition: Ovarian serous cystadenocarcinoma. Review status: no classification provided. Collection method: in vitro. Allele origin: not applicable. Functional consequence: retained intron. Not counted in ClinVar's aggregate classification.

NM_004830.4(MED23):c.4080G>T (p.Val1360=)

Gene: MED23 (mediator complex subunit 23; minus strand). Cytogenetic location: 6q23.2.
Variant type: single nucleotide variant.
Coding change: c.4080G>T on transcript NM_004830.4 (MANE Select); coding-DNA position 4080, G replaced by T.
Protein change: p.Val1360=; no amino-acid change (valine 1360 retained).
Molecular consequence: synonymous variant. On other transcripts: intron variant (3).
Genome position (GRCh38, 1-based): chr6:131,587,706, C>A on the plus strand (G>T on the coding strand, the complement: MED23 is on the minus strand). VCF-style: chr6-131587706-C-A. GRCh37 (hg19) VCF-style: chr6-131908846-C-A.
Other names: NC_000006.11:g.131908846C>A; c.4077+3G>T (NM_001270521.2, NM_001270522.2); c.4095+3G>T (NM_015979.4); c.4080G>T (NM_004830.3).
Identifiers: ClinVar variation 432201 (VCV000432201.12), dbSNP rs138742804, ClinGen allele CA3999459.
Genomic context (GRCh38, chr6:131,587,706, plus strand): 5'-ATATTTCTACTTTCTCCACAGTACAGTCTGGCTTCACTGAGTTACTGGTAAAGACACGGG[C>A]ACCTGATTAGACTGAGGTGCTGGAGACCCACTGTTCATGGCTTGTGGAGGCACTGCAGCT-3'
Protein context (NP_004821.2, residues 1350-1368): SGSPAPQSNQ[Val1360=]PVSLPVTQ